The following is an entry in ClinVar:

NM_000038.6(APC):c.7858T>C (p.Phe2620Leu)

Gene: APC (APC regulator of Wnt signaling pathway; plus strand). Cytogenetic location: 5q22.2.
Variant type: single nucleotide variant.
Coding change: c.7858T>C on transcript NM_000038.6 (MANE Select); coding-DNA position 7858, T replaced by C.
Protein change: p.Phe2620Leu; replaces phenylalanine 2620 with leucine.
Molecular consequence: missense variant.
Genome position (GRCh38, 1-based): chr5:112,843,452, T>C. VCF-style: chr5-112843452-T-C. GRCh37 (hg19) VCF-style: chr5-112179149-T-C.
Other names: c.7858T>C, p.Phe2620Leu (NM_001127510.3, NM_001354895.2); c.7804T>C, p.Phe2602Leu (NM_001127511.3); c.7912T>C, p.Phe2638Leu (NM_001354896.2); c.7888T>C, p.Phe2630Leu (NM_001354897.2); c.7783T>C, p.Phe2595Leu (NM_001354898.2); c.7774T>C, p.Phe2592Leu (NM_001354899.2); c.7735T>C, p.Phe2579Leu (NM_001354900.2); c.7681T>C, p.Phe2561Leu (NM_001354901.2); and 5 more; short protein forms F2602L, F2620L, F2337L, F2592L, F2638L, F2460L, F2595L, F2494L.
Identifiers: ClinVar variation 490365 (VCV000490365.5), dbSNP rs587781816, ClinGen allele CA16038407.

ClinVar aggregate classification (germline): Uncertain significance. Review status: criteria provided, multiple submitters, no conflicts (2 of 4 stars). 2 submissions from 2 submitters: Uncertain significance (2). Last evaluated 2025-02-05.

Conditions:
Hereditary cancer-predisposing syndrome. Also called: Hereditary Cancer Syndrome; Neoplastic Syndromes, Hereditary; Tumor predisposition; Hereditary neoplastic syndrome. Identifiers: Orphanet 140162, MedGen C0027672, MeSH D009386, MONDO:0015356.

Submissions (2):

Ambry Genetics
Classification: Uncertain significance for Hereditary cancer-predisposing syndrome. Last evaluated: 2025-02-05. Review status: criteria provided, single submitter. Criteria: Ambry Variant Classification Scheme 2023. Collection method: clinical testing. Allele origin: germline.
Comment: The p.F2620L variant (also known as c.7858T>C), located in coding exon 15 of the APC gene, results from a T to C substitution at nucleotide position 7858. The phenylalanine at codon 2620 is replaced by leucine, an amino acid with highly similar properties. This amino acid position is poorly conserved in available vertebrate species. In addition, in silico predictors for this gene do not accurately predict pathogenicity. Missense alterations in APC are not a common cause of disease (Spier I et al. Genet Med. 2024 Feb;26(2):100992). Based on the available evidence, the clinical significance of this variant remains unclear.

Color Diagnostics, LLC DBA Color Health
Classification: Uncertain significance for Hereditary cancer-predisposing syndrome. Last evaluated: 2019-03-19. Review status: criteria provided, single submitter. Criteria: ACMG Guidelines, 2015. Collection method: clinical testing. Allele origin: germline.